The following is an entry in ClinVar:

ClinVar aggregate classification (germline): Uncertain significance (1 of 4 stars; one submission).

Submission:

Labcorp Genetics (formerly Invitae), Labcorp
Classification: Uncertain significance. Last evaluated: 2025-07-14. Review status: criteria provided, single submitter. Criteria: Invitae Variant Classification Sherloc (09022015). Collection method: clinical testing. Allele origin: germline.
Comment: This sequence change replaces serine, which is neutral and polar, with phenylalanine, which is neutral and non-polar, at codon 445 of the PIK3C2A protein (p.Ser445Phe). This variant is not present in population databases (gnomAD no frequency). This variant has not been reported in the literature in individuals affected with PIK3C2A-related conditions. ClinVar contains an entry for this variant (Variation ID: 1715414). An algorithm developed to predict the effect of missense changes on protein structure and function (PolyPhen-2) suggests that this variant is likely to be disruptive. Algorithms developed to predict the effect of sequence changes on RNA splicing suggest that this variant may disrupt the consensus splice site. In summary, the available evidence is currently insufficient to determine the role of this variant in disease. Therefore, it has been classified as a Variant of Uncertain Significance.

NM_002645.4(PIK3C2A):c.1334C>T (p.Ser445Phe)

Gene: PIK3C2A (phosphatidylinositol-4-phosphate 3-kinase catalytic subunit type 2 alpha; minus strand). Cytogenetic location: 11p15.1.
Variant type: single nucleotide variant.
Coding change: c.1334C>T on transcript NM_002645.4 (MANE Select); coding-DNA position 1334, C replaced by T.
Protein change: p.Ser445Phe; replaces serine 445 with phenylalanine.
Molecular consequence: missense variant.
Genome position (GRCh38, 1-based): chr11:17,148,781, G>A on the plus strand (C>T on the coding strand, the complement: PIK3C2A is on the minus strand). VCF-style: chr11-17148781-G-A. GRCh37 (hg19) VCF-style: chr11-17170328-G-A.
Other names: c.1334C>T, p.Ser445Phe (NM_001321378.2, NM_001386870.1); c.194C>T, p.Ser65Phe (NM_001321380.2); short protein forms S445F, S65F.
Identifiers: ClinVar variation 1715414 (VCV001715414.5), dbSNP rs2494184863, ClinGen allele CA379767010.